The following is an entry in ClinVar:

NM_001083962.2(TCF4):c.602_610dup (p.Tyr201_Ser203dup)

Gene: TCF4 (transcription factor 4; minus strand). Cytogenetic location: 18q21.2.
Variant type: Duplication.
Coding change: c.602_610dup on transcript NM_001083962.2 (MANE Select); coding-DNA positions 602 to 610, 9 bases duplicated (ATCCTTCCT; older notation c.602_610dupATCCTTCCT).
Protein change: p.Tyr201_Ser203dup.
Molecular consequence: inframe insertion. On other transcripts: 5 prime UTR variant (1).
Genome position (GRCh38, 1-based): chr18:55,279,596-55,279,604, AGGAAGGAT duplicated on the plus strand (ATCCTTCCT on the coding strand, the reverse complement: TCF4 is on the minus strand); duplicating any 9 consecutive bases within chr18:55,279,596-55,279,606 gives the same sequence; the c. name uses the placement nearest the transcript's 3' end. VCF-style (leftmost placement, unchanged base first): chr18-55279595-G-GAGGAAGGAT. GRCh37 (hg19) VCF-style: chr18-52946826-G-GAGGAAGGAT.
Other names: c.908_916dup, p.Tyr303_Ser305dup (NM_001243226.3); c.530_538dup, p.Tyr177_Ser179dup (NM_001243227.2, NM_001306207.1, NM_001348217.1 and 9 more transcripts); c.620_628dup, p.Tyr207_Ser209dup (NM_001243228.2); c.596_604dup, p.Tyr199_Ser201dup (NM_001243230.2); c.476_484dup, p.Tyr159_Ser161dup (NM_001243231.2, NM_001348211.2); c.389_397dup, p.Tyr130_Ser132dup (NM_001243232.1, NM_001306208.1); c.212_220dup, p.Tyr71_Ser73dup (NM_001243233.2, NM_001330605.3, NM_001348212.2 and 1 more transcripts); c.122_130dup, p.Tyr41_Ser43dup (NM_001243234.2, NM_001243235.2, NM_001243236.2 and 2 more transcripts); and 5 more.
Identifiers: ClinVar variation 570141 (VCV000570141.8), dbSNP rs1568652980, ClinGen allele CA891843850.

ClinVar aggregate classification (germline): Uncertain significance (1 of 4 stars; one submission).

Conditions:
Pitt-Hopkins syndrome (PTHS). Also called: ENCEPHALOPATHY, SEVERE EPILEPTIC, WITH AUTONOMIC DYSFUNCTION; MENTAL RETARDATION, SYNDROMAL, WITH INTERMITTENT HYPERVENTILATION. Identifiers: Orphanet 2896, MedGen C1970431, MONDO:0012589, OMIM 610954.

Submission:

Labcorp Genetics (formerly Invitae), Labcorp
Classification: Uncertain significance for Pitt-Hopkins syndrome. Last evaluated: 2018-01-24. Review status: criteria provided, single submitter. Criteria: Invitae Variant Classification Sherloc (09022015). Collection method: clinical testing. Allele origin: germline.
Comment: This variant is not present in population databases (ExAC no frequency). This variant, c.602_610dupATCCTTCCT, results in the insertion of 3 amino acids to the TCF4 protein (p.Tyr201_Ser203dup), but otherwise preserves the integrity of the reading frame. In summary, the available evidence is currently insufficient to determine the role of this variant in disease. Therefore, it has been classified as a Variant of Uncertain Significance. Experimental studies and prediction algorithms are not available for this variant, and the functional significance of the duplicated amino acids is currently unknown. This variant has not been reported in the literature in individuals with TCF4-related disease.